The following is an entry in ClinVar:

ClinVar aggregate classification (germline): Conflicting classifications of pathogenicity. Review status: criteria provided, conflicting classifications (1 of 4 stars). 2 submissions from 2 submitters: Uncertain significance (1); Likely benign (1). Last evaluated 2025-06-23.

Conditions:
Hereditary cancer. Identifiers: MedGen C1333600.

gnomAD v4.1: 104 of 1,106,390 alleles (0.0094%); highest among the groups gnomAD compares: Admixed American, 0.049%; 1 homozygote.

Submissions (2):

Mendelics
Classification: Likely benign for Hereditary cancer. Last evaluated: 2025-06-23. Review status: criteria provided, single submitter. Criteria: ACMG Guidelines, 2015. Collection method: clinical testing. Allele origin: unknown.
Comment: This variant is considered likely benign or benign based on one or more of the following: it is predicted to be benign by multiple in silico algorithms, and/or has population frequency not consistent with disease, and/or has normal protein function, and/or has lack of segregation with disease, and/or has been detected in co-occurrence with known pathogenic variant, and/or has lack of disease association in case-control studies, and/or is located in a region inconsistent with a known cause of pathogenicity.

Ambry Genetics
Classification: Uncertain significance. Last evaluated: 2024-11-12. Review status: criteria provided, single submitter. Criteria: Ambry Variant Classification Scheme 2023. Collection method: clinical testing. Allele origin: germline.

NM_001100619.3(CABLES1):c.166C>T (p.Arg56Cys)

Genes: CABLES1 (Cdk5 and Abl enzyme substrate 1; plus strand), LOC130062265 (ATAC-STARR-seq lymphoblastoid silent region 9351; plus strand). Cytogenetic location: 18q11.2.
Variant type: single nucleotide variant.
Coding change: c.166C>T on transcript NM_001100619.3 (MANE Select); coding-DNA position 166, C replaced by T.
Protein change: p.Arg56Cys; replaces arginine 56 with cysteine.
Molecular consequence: missense variant. On other transcripts: intron variant (1).
Genome position (GRCh38, 1-based): chr18:23,135,928, C>T. VCF-style: chr18-23135928-C-T. GRCh37 (hg19) VCF-style: chr18-20715892-C-T.
Other names: c.-137+1258C>T (NM_001256438.1); short protein forms R56C.
Identifiers: ClinVar variation 3483834 (VCV003483834.2).